The following is an entry in ClinVar:

NM_024741.3(ZNF408):c.1061G>A (p.Arg354Gln)

Gene: ZNF408 (zinc finger protein 408; plus strand). Cytogenetic location: 11p11.2.
Variant type: single nucleotide variant.
Coding change: c.1061G>A on transcript NM_024741.3 (MANE Select); coding-DNA position 1061, G replaced by A.
Protein change: p.Arg354Gln; replaces arginine 354 with glutamine.
Molecular consequence: missense variant.
Genome position (GRCh38, 1-based): chr11:46,704,761, G>A. VCF-style: chr11-46704761-G-A. GRCh37 (hg19) VCF-style: chr11-46726311-G-A.
Other names: c.1037G>A, p.Arg346Gln (NM_001184751.2); c.1061G>A (NM_024741.2); short protein forms R346Q, R354Q.
Identifiers: ClinVar variation 1506694 (VCV001506694.6), dbSNP rs375616892, ClinGen allele CA5966490.

ClinVar aggregate classification (germline): Uncertain significance. Review status: criteria provided, multiple submitters, no conflicts (2 of 4 stars). 2 submissions from 2 submitters: Uncertain significance (2). Last evaluated 2025-02-08.

Conditions:
Inborn genetic diseases. Identifiers: MedGen C0950123, MeSH D030342.

Allele frequency attached by ClinVar (database versions not stated): ExAC 0.00001; gnomAD 0.00001; gnomAD exomes 0.00002; TOPMed 0.00003; ESP Exome Variant Server 0.00008.
gnomAD v4.1: 46 of 1,596,920 alleles (0.0029%); highest among the groups gnomAD compares: Admixed American, 0.0035%; no homozygotes.

Submissions (2):

Ambry Genetics
Classification: Uncertain significance for Inborn genetic diseases. Last evaluated: 2025-02-08. Review status: criteria provided, single submitter. Criteria: Ambry Variant Classification Scheme 2023. Collection method: clinical testing. Allele origin: germline.

Labcorp Genetics (formerly Invitae), Labcorp
Classification: Uncertain significance. Last evaluated: 2024-04-08. Review status: criteria provided, single submitter. Criteria: Invitae Variant Classification Sherloc (09022015). Collection method: clinical testing. Allele origin: germline.
Comment: This sequence change replaces arginine, which is basic and polar, with glutamine, which is neutral and polar, at codon 354 of the ZNF408 protein (p.Arg354Gln). This variant is present in population databases (rs375616892, gnomAD 0.004%). This variant has not been reported in the literature in individuals affected with ZNF408-related conditions. ClinVar contains an entry for this variant (Variation ID: 1506694). Algorithms developed to predict the effect of missense changes on protein structure and function output the following: SIFT: "Not Available"; PolyPhen-2: "Benign"; Align-GVGD: "Not Available". The glutamine amino acid residue is found in multiple mammalian species, which suggests that this missense change does not adversely affect protein function. In summary, the available evidence is currently insufficient to determine the role of this variant in disease. Therefore, it has been classified as a Variant of Uncertain Significance.